The following is an entry in ClinVar:

ClinVar aggregate classification (germline): Uncertain significance (1 of 4 stars; one submission).

Conditions:
Diffuse cerebral and cerebellar atrophy - intractable seizures - progressive microcephaly syndrome. Also called: Microcephaly, progressive, with seizures and cerebral and cerebellar atrophy. Identifiers: Orphanet 404437, MedGen C4014239, MONDO:0014335, OMIM 615760.

gnomAD v4.1: 1 of 1,614,182 alleles (0.000062%); highest among the groups gnomAD compares: East Asian, 0.0022%; no homozygotes.

Submission:

Labcorp Genetics (formerly Invitae), Labcorp
Classification: Uncertain significance for Diffuse cerebral and cerebellar atrophy - intractable seizures - progressive microcephaly syndrome. Last evaluated: 2023-07-10. Review status: criteria provided, single submitter. Criteria: Invitae Variant Classification Sherloc (09022015). Collection method: clinical testing. Allele origin: germline.
Comment: In summary, the available evidence is currently insufficient to determine the role of this variant in disease. Therefore, it has been classified as a Variant of Uncertain Significance. Advanced modeling of protein sequence and biophysical properties (such as structural, functional, and spatial information, amino acid conservation, physicochemical variation, residue mobility, and thermodynamic stability) has been performed at Invitae for this missense variant, however the output from this modeling did not meet the statistical confidence thresholds required to predict the impact of this variant on QARS protein function. ClinVar contains an entry for this variant (Variation ID: 2001375). This variant has not been reported in the literature in individuals affected with QARS-related conditions. This variant is present in population databases (no rsID available, gnomAD 0.006%). This sequence change replaces phenylalanine, which is neutral and non-polar, with serine, which is neutral and polar, at codon 387 of the QARS protein (p.Phe387Ser).

NM_005051.3(QARS1):c.1160T>C (p.Phe387Ser)

Gene: QARS1 (glutaminyl-tRNA synthetase 1; minus strand). Cytogenetic location: 3p21.31.
Variant type: single nucleotide variant.
Coding change: c.1160T>C on transcript NM_005051.3 (MANE Select); coding-DNA position 1160, T replaced by C.
Protein change: p.Phe387Ser; replaces phenylalanine 387 with serine.
Molecular consequence: missense variant. On other transcripts: non-coding transcript variant (1).
Genome position (GRCh38, 1-based): chr3:49,100,194, A>G on the plus strand (T>C on the coding strand, the complement: QARS1 is on the minus strand). VCF-style: chr3-49100194-A-G. GRCh37 (hg19) VCF-style: chr3-49137627-A-G.
Other names: c.1127T>C, p.Phe376Ser (NM_001272073.2); short protein forms F387S, F376S.
Identifiers: ClinVar variation 2001375 (VCV002001375.4), dbSNP rs899079673, ClinGen allele CA352709926.